The following is an entry in ClinVar:

NM_018706.7(DHTKD1):c.1351dup (p.Ile451fs)

Gene: DHTKD1 (dehydrogenase E1 and transketolase domain containing 1; plus strand). Cytogenetic location: 10p14.
Variant type: Duplication.
Coding change: c.1351dup on transcript NM_018706.7 (MANE Select); coding-DNA position 1351, one base duplicated (A; older notation c.1351dupA).
Protein change: p.Ile451fs; shifts the reading frame from isoleucine 451.
Molecular consequence: frameshift variant.
Genome position (GRCh38, 1-based): chr10:12,094,264, A duplicated; the last of 4 consecutive A bases (chr10:12,094,261-12,094,264); duplicating any one gives the same sequence. VCF-style (leftmost placement, unchanged base first): chr10-12094260-C-CA. GRCh37 (hg19) VCF-style: chr10-12136259-C-CA.
Other names: c.1351dupA (NM_018706.7); short protein forms I451fs.
Identifiers: ClinVar variation 4537152 (VCV004537152.1).
Genomic context (GRCh38, chr10:12,094,260, plus strand): 5'-CTACAGGCAGTGGGGCCACAATGAGCTGGATGAGCCATTCTACACCAACCCCATCATGTA[C>CA]AAAATCATCAGGTACAATTATAAACCCTTGTGTGATATGCCCCCTAAAAATTAAAATTAC-3'

ClinVar aggregate classification (germline): Pathogenic (1 of 4 stars; one submission).

Conditions:
2-aminoadipic 2-oxoadipic aciduria (AAKAD). Also called: ALPHA-AMINOADIPIC AND ALPHA-KETOADIPIC ACIDURIA; Aminoadipic aciduria. Identifiers: Orphanet 79154, MedGen C1859817, MONDO:0008774, OMIM 204750.

Submission:

Women's Health and Genetics/Laboratory Corporation of America, LabCorp
Classification: Pathogenic for 2-aminoadipic 2-oxoadipic aciduria. Last evaluated: 2025-11-26. Review status: criteria provided, single submitter. Criteria: LabCorp Variant Classification Summary - May 2015. Collection method: clinical testing. Allele origin: germline.
Comment: Variant summary: DHTKD1 c.1351dupA (p.Ile451AsnfsX29) results in a premature termination codon, predicted to cause absence of the protein due to nonsense mediated decay, which is a commonly known mechanism for disease. The variant was absent in 251462 control chromosomes. To our knowledge, no occurrence of c.1351dupA in individuals affected with DHTKD1-related conditions and no experimental evidence demonstrating its impact on protein function have been reported. No submitters have cited clinical-significance assessments for this variant to ClinVar. Based on the evidence outlined above, the variant was classified as pathogenic.